The following is an entry in ClinVar:

NM_000179.3(MSH6):c.1957G>A (p.Val653Met)

Gene: MSH6 (mutS homolog 6; plus strand). Cytogenetic location: 2p16.3.
Variant type: single nucleotide variant.
Coding change: c.1957G>A on transcript NM_000179.3 (MANE Select); coding-DNA position 1957, G replaced by A.
Protein change: p.Val653Met; replaces valine 653 with methionine.
Molecular consequence: missense variant.
Genome position (GRCh38, 1-based): chr2:47,799,940, G>A. VCF-style: chr2-47799940-G-A. GRCh37 (hg19) VCF-style: chr2-48027079-G-A.
Other names: c.1567G>A, p.Val523Met (NM_001281492.2); c.1051G>A, p.Val351Met (NM_001281493.2, NM_001281494.2); short protein forms V653M, V351M, V523M.
Identifiers: ClinVar variation 233357 (VCV000233357.21), dbSNP rs768095444, ClinGen allele CA10578088.

ClinVar aggregate classification (germline): Conflicting classifications of pathogenicity. Review status: criteria provided, conflicting classifications (1 of 4 stars). 6 submissions from 6 submitters: Uncertain significance (5); Benign (1). Last evaluated 2026-01-18.

Conditions:
Hereditary cancer-predisposing syndrome. Also called: Neoplastic Syndromes, Hereditary; Tumor predisposition; Hereditary Cancer Syndrome; Hereditary neoplastic syndrome. Identifiers: Orphanet 140162, MedGen C0027672, MeSH D009386, MONDO:0015356.
Hereditary nonpolyposis colorectal neoplasms. Identifiers: MedGen C0009405, MeSH D003123.
Mismatch repair cancer syndrome 3. Identifiers: MedGen C5436807, MONDO:0030841, OMIM 619097.
Lynch syndrome. Identifiers: Orphanet 144, MedGen C4552100, MONDO:0005835. Disease mechanism: loss of function.

Allele frequency attached by ClinVar (database versions not stated): gnomAD 0.00001.
gnomAD v4.1: 12 of 1,614,038 alleles (0.00074%); highest among the groups gnomAD compares: African/African-American, 0.0013%; no homozygotes.

Submissions (6):

Labcorp Genetics (formerly Invitae), Labcorp
Classification: Benign for Hereditary nonpolyposis colorectal neoplasms. Last evaluated: 2026-01-18. Review status: criteria provided, single submitter. Criteria: Invitae Variant Classification Sherloc (09022015). Collection method: clinical testing. Allele origin: germline.

All of Us Research Program, National Institutes of Health
Classification: Uncertain significance for Lynch syndrome. Last evaluated: 2024-06-09. Review status: criteria provided, single submitter. Criteria: ACMG Guidelines, 2015. Collection method: clinical testing. Allele origin: germline. Inheritance: Autosomal dominant inheritance. Observed: 4 variant alleles, 4 heterozygotes.
Comment: This missense variant replaces valine with methionine at codon 653 of the MSH6 protein. Computational prediction suggests that this variant may not impact protein structure and function (internally defined REVEL score threshold <= 0.5, PMID: 27666373). To our knowledge, functional studies have not been reported for this variant. This variant has not been reported in individuals affected with MSH6-related disorders in the literature. This variant has been identified in 1/282590 chromosomes in the general population by the Genome Aggregation Database (gnomAD). The available evidence is insufficient to determine the role of this variant in disease conclusively. Therefore, this variant is classified as a Variant of Uncertain Significance.

This study involves interpretation of variants in research participants for the purpose of population health screening. Participant phenotype was not available at the time of variant classification. Additional details can be found in publication PMID: 35346344, PMCID: PMC8962531

Ambry Genetics
Classification: Uncertain significance for Hereditary cancer-predisposing syndrome. Last evaluated: 2024-03-16. Review status: criteria provided, single submitter. Criteria: Ambry Variant Classification Scheme 2023. Collection method: clinical testing. Allele origin: germline.
Comment: The p.V653M variant (also known as c.1957G>A), located in coding exon 4 of the MSH6 gene, results from a G to A substitution at nucleotide position 1957. The valine at codon 653 is replaced by methionine, an amino acid with highly similar properties. This amino acid position is not well conserved in available vertebrate species. In addition, this alteration is predicted to be tolerated by in silico analysis. Since supporting evidence is limited at this time, the clinical significance of this alteration remains unclear.

GeneDx
Classification: Uncertain significance. Last evaluated: 2023-06-05. Review status: criteria provided, single submitter. Criteria: GeneDx Variant Classification Process June 2021. Collection method: clinical testing. Allele origin: germline. Affected: yes.
Comment: Not observed at significant frequency in large population cohorts (gnomAD); In silico analysis supports that this missense variant does not alter protein structure/function; Observed among both cases and controls in a breast cancer case-control study (Dorling et al., 2021); This variant is associated with the following publications: (PMID: 22949387, 17531815, 21120944, 29338072, 33471991)

Sema4
Classification: Uncertain significance for Hereditary cancer-predisposing syndrome. Last evaluated: 2021-09-25. Review status: criteria provided, single submitter. Criteria: Sema4 Curation Guidelines. Collection method: curation. Allele origin: germline.
Comment: The MSH6 c.1957G>A (p.V653M) variant has been reported in 1/60466 breast cancer cases and 1/53461 healthy controls by a large case-control study (PMID: 33471991). It was observed in 1/24960 chromosomes of the African/African American subpopulation in the large and broad cohorts of the Genome Aggregation Database (PMID: 32461654). The variant has been reported in ClinVar (Variation ID 233357). Functional studies have not been performed, and in silico predictions of the variant's effect on protein function are inconclusive. The evidence is insufficient to meet ACMG/AMP criteria for classifying the variant as benign or pathogenic. Thus, the clinical significance of this variant is currently uncertain.

Department of Pathology and Laboratory Medicine, Sinai Health System
Classification: Uncertain significance for Mismatch repair cancer syndrome 3. Last evaluated: 2019-11-25. Review status: criteria provided, single submitter. Criteria: ACMG Guidelines, 2015. Collection method: clinical testing. Allele origin: germline. Affected: yes.

Literature cited by the submitters: PubMed 33471991 (cited by Sema4).